The following is an entry in ClinVar:

ClinVar aggregate classification (germline): Uncertain significance (1 of 4 stars; one submission).

Submission:

Ambry Genetics
Classification: Uncertain significance. Last evaluated: 2023-12-04. Review status: criteria provided, single submitter. Criteria: Ambry Variant Classification Scheme 2023. Collection method: clinical testing. Allele origin: germline.
Comment: The p.S188A variant (also known as c.562T>G), located in coding exon 1 of the MLH3 gene, results from a T to G substitution at nucleotide position 562. The serine at codon 188 is replaced by alanine, an amino acid with similar properties. This amino acid position is conserved. In addition, the in silico prediction for this alteration is inconclusive. Since supporting evidence is limited at this time, the clinical significance of this alteration remains unclear.

NM_001040108.2(MLH3):c.562T>G (p.Ser188Ala)

Gene: MLH3 (mutL homolog 3; minus strand). Cytogenetic location: 14q24.3.
Variant type: single nucleotide variant.
Coding change: c.562T>G on transcript NM_001040108.2 (MANE Select); coding-DNA position 562, T replaced by G.
Protein change: p.Ser188Ala; replaces serine 188 with alanine.
Molecular consequence: missense variant.
Genome position (GRCh38, 1-based): chr14:75,049,094, A>C on the plus strand (T>G on the coding strand, the complement: MLH3 is on the minus strand). VCF-style: chr14-75049094-A-C. GRCh37 (hg19) VCF-style: chr14-75515797-A-C.
Other names: c.562T>G, p.Ser188Ala (NM_014381.3); short protein forms S188A.
Identifiers: ClinVar variation 3232582 (VCV003232582.1), dbSNP rs2503323954, ClinGen allele CA390449886.